The following is an entry in ClinVar:

ClinVar aggregate classification (germline): Uncertain significance (1 of 4 stars; one submission).

Conditions:
Aortic aneurysm, familial thoracic 4 (AAT4). Also called: AORTIC ANEURYSM/AORTIC DISSECTION AND PATENT DUCTUS ARTERIOSUS. Identifiers: MedGen C1851504, MONDO:0007568, OMIM 132900.

Submission:

Labcorp Genetics (formerly Invitae), Labcorp
Classification: Uncertain significance for Aortic aneurysm, familial thoracic 4. Last evaluated: 2017-11-01. Review status: criteria provided, single submitter. Criteria: Invitae Variant Classification Sherloc (09022015). Collection method: clinical testing. Allele origin: germline.
Comment: This sequence change replaces glutamic acid with aspartic acid at codon 993 of the MYH11 protein (p.Glu993Asp). The glutamic acid residue is weakly conserved and there is a small physicochemical difference between glutamic acid and aspartic acid. This variant is not present in population databases (ExAC no frequency). This variant has not been reported in the literature in individuals with MYH11-related disease. Algorithms developed to predict the effect of missense changes on protein structure and function output the following: SIFT: "Tolerated"; PolyPhen-2: "Benign"; Align-GVGD: "Class C0". The aspartic acid amino acid residue is found in multiple mammalian species, suggesting that this missense change does not adversely affect protein function. These predictions have not been confirmed by published functional studies and their clinical significance is uncertain. In summary, the available evidence is currently insufficient to determine the role of this variant in disease. Therefore, it has been classified as a Variant of Uncertain Significance.

NM_002474.3(MYH11):c.2958G>C (p.Glu986Asp)

Gene: MYH11 (myosin heavy chain 11; minus strand). Cytogenetic location: 16p13.11.
Variant type: single nucleotide variant.
Coding change: c.2958G>C on transcript NM_002474.3 (MANE Select); coding-DNA position 2958, G replaced by C.
Protein change: p.Glu986Asp; replaces glutamic acid 986 with aspartic acid.
Molecular consequence: missense variant.
Genome position (GRCh38, 1-based): chr16:15,740,090, C>G on the plus strand (G>C on the coding strand, the complement: MYH11 is on the minus strand). VCF-style: chr16-15740090-C-G. GRCh37 (hg19) VCF-style: chr16-15833947-C-G.
Other names: c.2979G>C, p.Glu993Asp (NM_001040113.2, NM_001040114.2); c.2958G>C, p.Glu986Asp (NM_022844.3); short protein forms E993D, E986D.
Identifiers: ClinVar variation 534143 (VCV000534143.1), dbSNP rs774274573, ClinGen allele CA394864654.